The following is an entry in ClinVar:

NM_015910.7(WDPCP):c.2158+1G>A

Gene: WDPCP (WD repeat containing planar cell polarity effector; minus strand). Cytogenetic location: 2p15.
Variant type: single nucleotide variant.
Coding change: c.2158+1G>A on transcript NM_015910.7 (MANE Select); the canonical splice donor site of the intron after coding-DNA position 2158, G replaced by A.
Molecular consequence: splice donor variant.
Genome position (GRCh38, 1-based): chr2:63,153,494, C>T on the plus strand (G>A on the coding strand, the complement: WDPCP is on the minus strand). VCF-style: chr2-63153494-C-T. GRCh37 (hg19) VCF-style: chr2-63380629-C-T.
Other names: c.2086+1G>A (NM_001354044.2); c.1681+1G>A (NM_001042692.3); c.2158+1G>A (NM_015910.5).
Identifiers: ClinVar variation 4955376 (VCV004955376.2).

ClinVar aggregate classification (germline): Conflicting classifications of pathogenicity. Review status: criteria provided, conflicting classifications (1 of 4 stars). 2 submissions from 2 submitters: Likely pathogenic (1); Uncertain significance (1). Last evaluated 2026-02-09.

Conditions:
WDPCP-related disorder. Also called: WDPCP-related condition.

gnomAD v4.1: 1 of 1,609,052 alleles (0.000062%); highest among the groups gnomAD compares: Non-Finnish European, 0.000085%; no homozygotes.

Submissions (2):

PreventionGenetics, part of Exact Sciences
Classification: Uncertain significance for WDPCP-related condition. Last evaluated: 2026-02-09. Review status: criteria provided, single submitter. Criteria: ACMG Guidelines, 2015. Collection method: clinical testing. Allele origin: germline.
Comment: The WDPCP c.2158+1G>A variant is predicted to disrupt the GT donor site and interfere with normal splicing. To our knowledge, this variant has not been reported in the literature or in a large population database (gnomAD), indicating this variant is rare. To date, only a few canonical splice variants are documented in WDPCP and none of them are downstream to the c.2158+1G>A variant (Human Gene Mutation Database). Although we suspect that this variant may be pathogenic, at this time, the clinical significance of this variant is uncertain due to the absence of conclusive functional and genetic evidence.

Blueprint Genetics
Classification: Likely pathogenic for WDPCP-related disorders. Last evaluated: 2019-08-30. Review status: criteria provided, single submitter. Criteria: ACMG Guidelines, 2015. Collection method: clinical testing. Allele origin: germline. Affected: yes. Observed: 1 variant allele.